The following is an entry in ClinVar:

NM_016169.4(SUFU):c.1372C>T (p.Leu458Phe)

Gene: SUFU (SUFU negative regulator of hedgehog signaling; plus strand). Cytogenetic location: 10q24.32.
Variant type: single nucleotide variant.
Coding change: c.1372C>T on transcript NM_016169.4 (MANE Select); coding-DNA position 1372, C replaced by T.
Protein change: p.Leu458Phe; replaces leucine 458 with phenylalanine.
Molecular consequence: missense variant.
Genome position (GRCh38, 1-based): chr10:102,630,072, C>T. VCF-style: chr10-102630072-C-T. GRCh37 (hg19) VCF-style: chr10-104389829-C-T.
Other names: short protein forms L458F.
Identifiers: ClinVar variation 1771076 (VCV001771076.31), dbSNP rs2492850467, ClinGen allele CA377920452.

ClinVar aggregate classification (germline): Uncertain significance. Review status: criteria provided, multiple submitters, no conflicts (2 of 4 stars). 3 submissions from 3 submitters: Uncertain significance (3). Last evaluated 2025-05-16.

Conditions:
Medulloblastoma (MDB). Also called: Medulloblastoma, somatic; MEDULLOBLASTOMA PREDISPOSITION SYNDROME. Identifiers: Orphanet 616, MedGen C0025149, MeSH D008527, MONDO:0007959, OMIM 155255, HP:0002885.
Gorlin syndrome. Also called: Nevoid Basal Cell Carcinoma Syndrome; Basal cell nevus syndrome. Identifiers: Orphanet 377, MedGen C0004779, MONDO:0007187.
Hereditary cancer-predisposing syndrome. Also called: Hereditary neoplastic syndrome; Neoplastic Syndromes, Hereditary; Tumor predisposition; Hereditary Cancer Syndrome. Identifiers: Orphanet 140162, MedGen C0027672, MeSH D009386, MONDO:0015356.

gnomAD v4.1: 2 of 1,614,196 alleles (0.00012%); highest among the groups gnomAD compares: Non-Finnish European, 0.000085%; no homozygotes.

Submissions (3):

Ambry Genetics
Classification: Uncertain significance for Hereditary cancer-predisposing syndrome. Last evaluated: 2025-05-16. Review status: criteria provided, single submitter. Criteria: Ambry Variant Classification Scheme 2023. Collection method: clinical testing. Allele origin: germline.
Comment: The p.L458F variant (also known as c.1372C>T), located in coding exon 12 of the SUFU gene, results from a C to T substitution at nucleotide position 1372. The leucine at codon 458 is replaced by phenylalanine, an amino acid with highly similar properties. This amino acid position is highly conserved in available vertebrate species. In addition, the in silico prediction for this alteration is inconclusive. Since supporting evidence is limited at this time, the clinical significance of this alteration remains unclear.

Labcorp Genetics (formerly Invitae), Labcorp
Classification: Uncertain significance for Gorlin syndrome; Medulloblastoma. Last evaluated: 2024-04-29. Review status: criteria provided, single submitter. Criteria: Invitae Variant Classification Sherloc (09022015). Collection method: clinical testing. Allele origin: germline.
Comment: This sequence change replaces leucine, which is neutral and non-polar, with phenylalanine, which is neutral and non-polar, at codon 458 of the SUFU protein (p.Leu458Phe). This variant is not present in population databases (gnomAD no frequency). This variant has not been reported in the literature in individuals affected with SUFU-related conditions. ClinVar contains an entry for this variant (Variation ID: 1771076). Advanced modeling of protein sequence and biophysical properties (such as structural, functional, and spatial information, amino acid conservation, physicochemical variation, residue mobility, and thermodynamic stability) performed at Invitae indicates that this missense variant is not expected to disrupt SUFU protein function with a negative predictive value of 80%. In summary, the available evidence is currently insufficient to determine the role of this variant in disease. Therefore, it has been classified as a Variant of Uncertain Significance.

CeGaT Center for Human Genetics Tuebingen
Classification: Uncertain significance. Last evaluated: 2023-09-01. Review status: criteria provided, single submitter. Criteria: CeGaT Center For Human Genetics Tuebingen Variant Classification Criteria Version 2. Collection method: clinical testing. Allele origin: germline. Affected: yes. Observed: 1 variant allele.
Comment: SUFU: PM2